The following is an entry in ClinVar:

NM_001287491.2(TET3):c.4090C>T (p.Pro1364Ser)

Gene: TET3 (tet methylcytosine dioxygenase 3; plus strand). Cytogenetic location: 2p13.1.
Variant type: single nucleotide variant.
Coding change: c.4090C>T on transcript NM_001287491.2 (MANE Select); coding-DNA position 4090, C replaced by T.
Protein change: p.Pro1364Ser; replaces proline 1364 with serine.
Molecular consequence: missense variant.
Genome position (GRCh38, 1-based): chr2:74,100,878, C>T. VCF-style: chr2-74100878-C-T. GRCh37 (hg19) VCF-style: chr2-74328005-C-T.
Other names: c.3811C>T, p.Pro1271Ser (NM_001366022.1); short protein forms P1271S, P1364S.
Identifiers: ClinVar variation 1313953 (VCV001313953.2), dbSNP rs1691163236, ClinGen allele CA347318710.

ClinVar aggregate classification (germline): Uncertain significance (1 of 4 stars; one submission).

Allele frequency attached by ClinVar (database versions not stated): gnomAD exomes below 0.00001.
gnomAD v4.1: 1 of 1,610,892 alleles (0.000062%); no homozygotes.

Submission:

GeneDx
Classification: Uncertain significance. Last evaluated: 2021-01-07. Review status: criteria provided, single submitter. Criteria: GeneDx Variant Classification Process June 2021. Collection method: clinical testing. Allele origin: germline. Affected: yes.
Comment: Not observed in large population cohorts (Lek et al., 2016); Has not been previously published as pathogenic or benign to our knowledge